The following is an entry in ClinVar:

ClinVar aggregate classification (germline): Uncertain significance. Review status: criteria provided, multiple submitters, no conflicts (2 of 4 stars). 2 submissions from 2 submitters: Uncertain significance (2). Last evaluated 2025-10-12.

Conditions:
Tuberous sclerosis 2 (TSC2). Identifiers: Orphanet 805, MedGen C1860707, MONDO:0013199, OMIM 613254.
Hereditary cancer-predisposing syndrome. Also called: Hereditary Cancer Syndrome; Hereditary neoplastic syndrome; Tumor predisposition; Neoplastic Syndromes, Hereditary. Identifiers: Orphanet 140162, MedGen C0027672, MeSH D009386, MONDO:0015356.

Submissions (2):

Labcorp Genetics (formerly Invitae), Labcorp
Classification: Uncertain significance for Tuberous sclerosis 2. Last evaluated: 2025-10-12. Review status: criteria provided, single submitter. Criteria: Invitae Variant Classification Sherloc (09022015). Collection method: clinical testing. Allele origin: germline.
Comment: This sequence change replaces proline, which is neutral and non-polar, with alanine, which is neutral and non-polar, at codon 1166 of the TSC2 protein (p.Pro1166Ala). This variant is not present in population databases (gnomAD no frequency). This variant has not been reported in the literature in individuals affected with TSC2-related conditions. ClinVar contains an entry for this variant (Variation ID: 3811376). Invitae Evidence Modeling of protein sequence and biophysical properties (such as structural, functional, and spatial information, amino acid conservation, physicochemical variation, residue mobility, and thermodynamic stability) indicates that this missense variant is not expected to disrupt TSC2 protein function with a negative predictive value of 95%. In summary, the available evidence is currently insufficient to determine the role of this variant in disease. Therefore, it has been classified as a Variant of Uncertain Significance.

Ambry Genetics
Classification: Uncertain significance for Hereditary cancer-predisposing syndrome. Last evaluated: 2025-03-14. Review status: criteria provided, single submitter. Criteria: Ambry Variant Classification Scheme 2023. Collection method: clinical testing. Allele origin: germline.
Comment: The p.P1166A variant (also known as c.3496C>G), located in coding exon 29 of the TSC2 gene, results from a C to G substitution at nucleotide position 3496. The proline at codon 1166 is replaced by alanine, an amino acid with highly similar properties. This amino acid position is conserved. In addition, this alteration is predicted to be tolerated by in silico analysis. Based on the available evidence, the clinical significance of this variant remains unclear.

NM_000548.5(TSC2):c.3496C>G (p.Pro1166Ala)

Gene: TSC2 (TSC complex subunit 2; plus strand). Cytogenetic location: 16p13.3.
Variant type: single nucleotide variant.
Coding change: c.3496C>G on transcript NM_000548.5 (MANE Select); coding-DNA position 3496, C replaced by G.
Protein change: p.Pro1166Ala; replaces proline 1166 with alanine.
Molecular consequence: missense variant. On other transcripts: non-coding transcript variant (5).
Genome position (GRCh38, 1-based): chr16:2,080,263, C>G. VCF-style: chr16-2080263-C-G. GRCh37 (hg19) VCF-style: chr16-2130264-C-G.
Other names: c.3493C>G, p.Pro1165Ala (NM_001406663.1, NM_001406664.1); c.3364C>G, p.Pro1122Ala (NM_001406665.1, NM_001077183.3, NM_001370404.1); c.3454C>G, p.Pro1152Ala (NM_001406668.1); c.3457C>G, p.Pro1153Ala (NM_001406667.1); c.3385C>G, p.Pro1129Ala (NM_001406670.1); c.3355C>G, p.Pro1119Ala (NM_001406671.1); c.3352C>G, p.Pro1118Ala (NM_001406673.1); c.3349C>G, p.Pro1117Ala (NM_001406675.1); and 18 more; short protein forms P1073A, P1123A, P1129A, P1153A, P674A, P922A, P969A, P1074A.
Identifiers: ClinVar variation 3811376 (VCV003811376.2).